The following is an entry in ClinVar:

NM_001291303.3(FAT4):c.13591T>C (p.Cys4531Arg)

Gene: FAT4 (FAT atypical cadherin 4; plus strand). Cytogenetic location: 4q28.1.
Variant type: single nucleotide variant.
Coding change: c.13591T>C on transcript NM_001291303.3 (MANE Select); coding-DNA position 13591, T replaced by C.
Protein change: p.Cys4531Arg; replaces cysteine 4531 with arginine.
Molecular consequence: missense variant.
Genome position (GRCh38, 1-based): chr4:125,490,407, T>C. VCF-style: chr4-125490407-T-C. GRCh37 (hg19) VCF-style: chr4-126411562-T-C.
Other names: c.13588T>C, p.Cys4530Arg (NM_001291285.3); c.13585T>C, p.Cys4529Arg (NM_024582.6); short protein forms C4529R, C4530R, C4531R.
Identifiers: ClinVar variation 2111111 (VCV002111111.4), dbSNP rs2530083667, ClinGen allele CA358137098.

ClinVar aggregate classification (germline): Uncertain significance (1 of 4 stars; one submission).

Allele frequency attached by ClinVar (database versions not stated): gnomAD exomes below 0.00001.
gnomAD v4.1: 2 of 1,613,962 alleles (0.00012%); highest among the groups gnomAD compares: Non-Finnish European, 0.00017%; no homozygotes.

Submission:

Labcorp Genetics (formerly Invitae), Labcorp
Classification: Uncertain significance. Last evaluated: 2022-03-13. Review status: criteria provided, single submitter. Criteria: Invitae Variant Classification Sherloc (09022015). Collection method: clinical testing. Allele origin: germline.
Comment: This sequence change replaces cysteine, which is neutral and slightly polar, with arginine, which is basic and polar, at codon 4529 of the FAT4 protein (p.Cys4529Arg). This variant is not present in population databases (gnomAD no frequency). This variant has not been reported in the literature in individuals affected with FAT4-related conditions. Advanced modeling of protein sequence and biophysical properties (such as structural, functional, and spatial information, amino acid conservation, physicochemical variation, residue mobility, and thermodynamic stability) performed at Invitae indicates that this missense variant is not expected to disrupt FAT4 protein function. In summary, the available evidence is currently insufficient to determine the role of this variant in disease. Therefore, it has been classified as a Variant of Uncertain Significance.